The following is an entry in ClinVar:

NM_012388.4(BLOC1S6):c.332A>G (p.Tyr111Cys)

Gene: BLOC1S6 (biogenesis of lysosomal organelles complex 1 subunit 6; plus strand). Cytogenetic location: 15q21.1.
Variant type: single nucleotide variant.
Coding change: c.332A>G on transcript NM_012388.4 (MANE Select); coding-DNA position 332, A replaced by G.
Protein change: p.Tyr111Cys; replaces tyrosine 111 with cysteine.
Molecular consequence: missense variant. On other transcripts: non-coding transcript variant (9).
Genome position (GRCh38, 1-based): chr15:45,605,447, A>G. VCF-style: chr15-45605447-A-G. GRCh37 (hg19) VCF-style: chr15-45897645-A-G.
Other names: c.347A>G, p.Tyr116Cys (NM_001311255.1); c.259A>G, p.Ile87Val (NM_001311256.1); short protein forms I87V, Y111C, Y116C.
Identifiers: ClinVar variation 1931030 (VCV001931030.5), dbSNP rs771058681, ClinGen allele CA270019983.

ClinVar aggregate classification (germline): Uncertain significance (1 of 4 stars; one submission).

Conditions:
Hermansky-Pudlak syndrome 9 (HPS9). Identifiers: Orphanet 280663, Orphanet 79430, MedGen C3280026, MONDO:0013606, OMIM 614171.

Submission:

Labcorp Genetics (formerly Invitae), Labcorp
Classification: Uncertain significance for Hermansky-Pudlak syndrome 9. Last evaluated: 2023-11-18. Review status: criteria provided, single submitter. Criteria: Invitae Variant Classification Sherloc (09022015). Collection method: clinical testing. Allele origin: germline.
Comment: This sequence change replaces tyrosine, which is neutral and polar, with cysteine, which is neutral and slightly polar, at codon 111 of the BLOC1S6 protein (p.Tyr111Cys). This variant is not present in population databases (gnomAD no frequency). This variant has not been reported in the literature in individuals affected with BLOC1S6-related conditions. ClinVar contains an entry for this variant (Variation ID: 1931030). An algorithm developed to predict the effect of missense changes on protein structure and function (PolyPhen-2) suggests that this variant is likely to be disruptive. In summary, the available evidence is currently insufficient to determine the role of this variant in disease. Therefore, it has been classified as a Variant of Uncertain Significance.